The following is an entry in ClinVar:

NM_001875.5(CPS1):c.3147T>A (p.Cys1049Ter)

Gene: CPS1 (carbamoyl-phosphate synthase 1; plus strand). Cytogenetic location: 2q34.
Variant type: single nucleotide variant.
Coding change: c.3147T>A on transcript NM_001875.5 (MANE Select); coding-DNA position 3147, T replaced by A.
Protein change: p.Cys1049Ter; replaces cysteine 1049 with a stop codon.
Molecular consequence: nonsense. On other transcripts: non-coding transcript variant (2).
Genome position (GRCh38, 1-based): chr2:210,647,868, T>A. VCF-style: chr2-210647868-T-A. GRCh37 (hg19) VCF-style: chr2-211512592-T-A.
Other names: c.3147T>A, p.Cys1049Ter (NM_001122633.3, NM_001369257.1); c.3180T>A, p.Cys1060Ter (NM_001369256.1); short protein forms C1049*, C1060*.
Identifiers: ClinVar variation 983912 (VCV000983912.3), dbSNP rs1700428230, ClinGen allele CA350435467.

ClinVar aggregate classification (germline): Likely pathogenic (1 of 4 stars; one submission).

Conditions:
Congenital hyperammonemia, type I. Also called: Carbamoyl phosphate synthetase I deficiency disease; Carbamoyl phosphate synthetase 1 deficiency; Hyperammonemia due to carbamoyl phosphate synthetase 1 deficiency; CPS 1 deficiency; Carbamyl phosphate synthetase (CPS) deficiency; Carbamoyl-phosphate synthase I deficiency. Identifiers: Orphanet 147, MedGen C4082171, MONDO:0009376, OMIM 237300.

Submission:

Myriad Genetics, Inc.
Classification: Likely pathogenic for Congenital hyperammonemia, type I. Last evaluated: 2019-01-10. Review status: criteria provided, single submitter. Criteria: Myriad Women's Health Autosomal Recessive and X-Linked Classification Criteria (2019). Collection method: clinical testing. Allele origin: unknown.
Comment: NM_001875.4(CPS1):c.3147T>A(C1049*) is expected to be pathogenic in the context of carbamoylphosphate synthetase I deficiency. This variant is predicted to lead to an abnormal or absent protein product due to the creation of a premature termination codon in CPS1, a gene where loss-of-function variants are known to be pathogenic. Please note: this variant was assessed in the context of healthy population screening.